The following is an entry in ClinVar:

NM_153704.6(TMEM67):c.329A>T (p.Asp110Val)

Gene: TMEM67 (transmembrane protein 67; plus strand). Cytogenetic location: 8q22.1.
Variant type: single nucleotide variant.
Coding change: c.329A>T on transcript NM_153704.6 (MANE Select); coding-DNA position 329, A replaced by T.
Protein change: p.Asp110Val; replaces aspartic acid 110 with valine.
Molecular consequence: missense variant. On other transcripts: 5 prime UTR variant (1), non-coding transcript variant (1).
Genome position (GRCh38, 1-based): chr8:93,758,499, A>T. VCF-style: chr8-93758499-A-T. GRCh37 (hg19) VCF-style: chr8-94770727-A-T.
Other names: c.-49A>T (NM_001142301.1); short protein forms D110V.
Identifiers: ClinVar variation 2112541 (VCV002112541.4), dbSNP rs1014876003, ClinGen allele CA181306950.

ClinVar aggregate classification (germline): Likely pathogenic (1 of 4 stars; one submission).

Conditions:
Joubert syndrome. Also called: CEREBELLOPARENCHYMAL DISORDER IV; JOUBERT-BOLTSHAUSER SYNDROME; Familial aplasia of the vermis. Identifiers: Orphanet 475, MedGen C5979921, MONDO:0018772.
Meckel-Gruber syndrome. Also called: DYSENCEPHALIA SPLANCHNOCYSTICA; GRUBER SYNDROME; Dysencephalia splachnocystica. Identifiers: Orphanet 564, MedGen C0265215, MONDO:0018921.

gnomAD v4.1: 1 of 1,613,542 alleles (0.000062%); highest among the groups gnomAD compares: African/African-American, 0.0013%; no homozygotes.

Submission:

Labcorp Genetics (formerly Invitae), Labcorp
Classification: Likely pathogenic for Joubert syndrome; Meckel-Gruber syndrome. Last evaluated: 2023-03-17. Review status: criteria provided, single submitter. Criteria: Invitae Variant Classification Sherloc (09022015). Collection method: clinical testing. Allele origin: germline.
Comment: In summary, the currently available evidence indicates that the variant is pathogenic, but additional data are needed to prove that conclusively. Therefore, this variant has been classified as Likely Pathogenic. This variant disrupts the p.Asp110 amino acid residue in TMEM67. Other variant(s) that disrupt this residue have been determined to be pathogenic (PMID: 23034536, 28431631). This suggests that this residue is clinically significant, and that variants that disrupt this residue are likely to be disease-causing. Advanced modeling of protein sequence and biophysical properties (such as structural, functional, and spatial information, amino acid conservation, physicochemical variation, residue mobility, and thermodynamic stability) performed at Invitae indicates that this missense variant is expected to disrupt TMEM67 protein function. ClinVar contains an entry for this variant (Variation ID: 2112541). This variant has not been reported in the literature in individuals affected with TMEM67-related conditions. This variant is not present in population databases (gnomAD no frequency). This sequence change replaces aspartic acid, which is acidic and polar, with valine, which is neutral and non-polar, at codon 110 of the TMEM67 protein (p.Asp110Val).

Literature cited by the submitters: PubMed 23034536; PubMed 28431631.